The following is an entry in ClinVar:

NM_007194.4(CHEK2):c.263C>T (p.Pro88Leu)

Gene: CHEK2 (checkpoint kinase 2; minus strand). Cytogenetic location: 22q12.1.
Variant type: single nucleotide variant.
Coding change: c.263C>T on transcript NM_007194.4 (MANE Select); coding-DNA position 263, C replaced by T.
Protein change: p.Pro88Leu; replaces proline 88 with leucine.
Molecular consequence: missense variant. On other transcripts: 5 prime UTR variant (1), intron variant (1).
Genome position (GRCh38, 1-based): chr22:28,734,459, G>A on the plus strand (C>T on the coding strand, the complement: CHEK2 is on the minus strand). VCF-style: chr22-28734459-G-A. GRCh37 (hg19) VCF-style: chr22-29130447-G-A.
Other names: c.263C>T, p.Pro88Leu (NM_001005735.3, NM_001349956.3, NM_001438293.1 and 3 more transcripts); c.-515C>T (NM_001257387.3); c.-345+7310C>T (NM_001437942.1); short protein forms P88L.
Identifiers: ClinVar variation 4717032 (VCV004717032.1).

ClinVar aggregate classification (germline): Uncertain significance (1 of 4 stars; one submission).

Conditions:
Familial cancer of breast. Also called: hereditary breast carcinoma; BREAST CANCER, FAMILIAL; Hereditary breast cancer. Identifiers: Orphanet 227535, MedGen C0346153, MONDO:0016419, OMIM 114480. Disease mechanism: loss of function.

Submission:

Labcorp Genetics (formerly Invitae), Labcorp
Classification: Uncertain significance for Familial cancer of breast. Last evaluated: 2025-04-10. Review status: criteria provided, single submitter. Criteria: Invitae Variant Classification Sherloc (09022015). Collection method: clinical testing. Allele origin: germline.
Comment: This sequence change replaces proline, which is neutral and non-polar, with leucine, which is neutral and non-polar, at codon 88 of the CHEK2 protein (p.Pro88Leu). This variant is not present in population databases (gnomAD no frequency). This variant has not been reported in the literature in individuals affected with CHEK2-related conditions. An algorithm developed to predict the effect of missense changes on protein structure and function (PolyPhen-2) suggests that this variant is likely to be tolerated. In summary, the available evidence is currently insufficient to determine the role of this variant in disease. Therefore, it has been classified as a Variant of Uncertain Significance.